The following is an entry in ClinVar:

ClinVar aggregate classification (germline): Likely pathogenic (1 of 4 stars; one submission).

Conditions:
Symmetrical dyschromatosis of extremities (DSH). Also called: RETICULATE ACROPIGMENTATION OF DOHI; DYSCHROMATOSIS SYMMETRICA HEREDITARIA 1; SYMMETRIC DYSCHROMATOSIS OF THE EXTREMITIES; Dyschromatosis symmetrica hereditaria. Identifiers: Orphanet 41, MedGen C0406775, MONDO:0007483, OMIM 127400.
Aicardi-Goutieres syndrome 6 (AGS6). Identifiers: Orphanet 51, MedGen C3539013, MONDO:0014007, OMIM 615010.

Submission:

Labcorp Genetics (formerly Invitae), Labcorp
Classification: Likely pathogenic for Aicardi-Goutieres syndrome 6; Symmetrical dyschromatosis of extremities. Last evaluated: 2023-10-11. Review status: criteria provided, single submitter. Criteria: Invitae Variant Classification Sherloc (09022015). Collection method: clinical testing. Allele origin: germline.
Comment: This sequence change affects an acceptor splice site in intron 9 of the ADAR gene. It is expected to disrupt RNA splicing. Variants that disrupt the donor or acceptor splice site typically lead to a loss of protein function (PMID: 16199547), and loss-of-function variants in ADAR are known to be pathogenic (PMID: 22974014). This variant is not present in population databases (gnomAD no frequency). This variant has not been reported in the literature in individuals affected with ADAR-related conditions. Algorithms developed to predict the effect of sequence changes on RNA splicing suggest that this variant may disrupt the consensus splice site. In summary, the currently available evidence indicates that the variant is pathogenic, but additional data are needed to prove that conclusively. Therefore, this variant has been classified as Likely Pathogenic.

Literature cited by the submitters: PubMed 16199547; PubMed 22974014.

NM_001111.5(ADAR):c.2763-1G>A

Gene: ADAR (adenosine deaminase RNA specific; minus strand). Cytogenetic location: 1q21.3.
Variant type: single nucleotide variant.
Coding change: c.2763-1G>A on transcript NM_001111.5 (MANE Select); the canonical splice acceptor site of the intron before coding-DNA position 2763, G replaced by A.
Molecular consequence: splice acceptor variant.
Genome position (GRCh38, 1-based): chr1:154,588,674, C>T on the plus strand (G>A on the coding strand, the complement: ADAR is on the minus strand). VCF-style: chr1-154588674-C-T. GRCh37 (hg19) VCF-style: chr1-154561150-C-T.
Other names: c.1878-1G>A (NM_001365046.1, NM_001025107.3, NM_001365048.1 and 2 more transcripts); c.2790-1G>A (NM_001365045.1); c.1800-1G>A (NM_001365049.1); c.2628-1G>A (NM_015841.4); c.2685-1G>A (NM_015840.4).
Identifiers: ClinVar variation 2952788 (VCV002952788.3), dbSNP rs2526494665, ClinGen allele CA342636510.